The following is an entry in ClinVar:

ClinVar aggregate classification (germline): Uncertain significance. Review status: criteria provided, multiple submitters, no conflicts (2 of 4 stars). 2 submissions from 2 submitters: Uncertain significance (2). Last evaluated 2023-11-15.

Conditions:
Hereditary cancer-predisposing syndrome. Also called: Hereditary neoplastic syndrome; Neoplastic Syndromes, Hereditary; Hereditary Cancer Syndrome; Tumor predisposition. Identifiers: Orphanet 140162, MedGen C0027672, MeSH D009386, MONDO:0015356.
Gastrointestinal stromal tumor. Also called: Gastrointestinal stromal tumor, somatic; Gastrointestinal stroma tumor. Identifiers: Orphanet 44890, MedGen C0238198, MeSH D046152, MONDO:0011719, OMIM 606764, HP:0100723.

Submissions (2):

Labcorp Genetics (formerly Invitae), Labcorp
Classification: Uncertain significance for Gastrointestinal stromal tumor. Last evaluated: 2023-11-15. Review status: criteria provided, single submitter. Criteria: Invitae Variant Classification Sherloc (09022015). Collection method: clinical testing. Allele origin: germline.
Comment: This sequence change replaces arginine, which is basic and polar, with glutamine, which is neutral and polar, at codon 181 of the KIT protein (p.Arg181Gln). This variant is not present in population databases (gnomAD no frequency). This variant has not been reported in the literature in individuals affected with KIT-related conditions. ClinVar contains an entry for this variant (Variation ID: 943212). Algorithms developed to predict the effect of missense changes on protein structure and function output the following: SIFT: "Not Available"; PolyPhen-2: "Benign"; Align-GVGD: "Not Available". The glutamine amino acid residue is found in multiple mammalian species, which suggests that this missense change does not adversely affect protein function. In summary, the available evidence is currently insufficient to determine the role of this variant in disease. Therefore, it has been classified as a Variant of Uncertain Significance.

Ambry Genetics
Classification: Uncertain significance for Hereditary cancer-predisposing syndrome. Last evaluated: 2022-05-14. Review status: criteria provided, single submitter. Criteria: Ambry Variant Classification Scheme 2023. Collection method: clinical testing. Allele origin: germline.
Comment: The p.R181Q variant (also known as c.542G>A), located in coding exon 3 of the KIT gene, results from a G to A substitution at nucleotide position 542. The arginine at codon 181 is replaced by glutamine, an amino acid with highly similar properties. This amino acid position is conserved. In addition, this alteration is predicted to be tolerated by in silico analysis. Since supporting evidence is limited at this time, the clinical significance of this alteration remains unclear.

NM_000222.3(KIT):c.542G>A (p.Arg181Gln)

Gene: KIT (KIT proto-oncogene, receptor tyrosine kinase; plus strand). Cytogenetic location: 4q12.
Variant type: single nucleotide variant.
Coding change: c.542G>A on transcript NM_000222.3 (MANE Select); coding-DNA position 542, G replaced by A.
Protein change: p.Arg181Gln; replaces arginine 181 with glutamine.
Molecular consequence: missense variant.
Genome position (GRCh38, 1-based): chr4:54,698,488, G>A. VCF-style: chr4-54698488-G-A. GRCh37 (hg19) VCF-style: chr4-55564654-G-A.
Other names: c.542G>A, p.Arg181Gln (NM_001093772.2, NM_001385284.1, NM_001385285.1 and 4 more transcripts); short protein forms R181Q.
Identifiers: ClinVar variation 943212 (VCV000943212.12), dbSNP rs1720234301, ClinGen allele CA356897830.
Genomic context (GRCh38, chr4:54,698,488, plus strand): 5'-GGTTTATTCCTGACCCCAAGGCGGGCATCATGATCAAAAGTGTGAAACGCGCCTACCATC[G>A]GCTCTGTCTGCATTGTTCTGTGGACCAGGAGGGCAAGTCAGTGCTGTCGGAAAAATTCAT-3'
Protein context (NP_000213.1, residues 171-191): MIKSVKRAYH[Arg181Gln]LCLHCSVDQE